The following is an entry in ClinVar:

NM_000051.4(ATM):c.4931T>C (p.Met1644Thr)

Gene: ATM (ATM serine/threonine kinase; plus strand). Cytogenetic location: 11q22.3.
Variant type: single nucleotide variant.
Coding change: c.4931T>C on transcript NM_000051.4 (MANE Select); coding-DNA position 4931, T replaced by C.
Protein change: p.Met1644Thr; replaces methionine 1644 with threonine.
Molecular consequence: missense variant.
Genome position (GRCh38, 1-based): chr11:108,297,308, T>C. VCF-style: chr11-108297308-T-C. GRCh37 (hg19) VCF-style: chr11-108168035-T-C.
Other names: c.4931T>C, p.Met1644Thr (NM_001351834.2); short protein forms M1644T.
Identifiers: ClinVar variation 482705 (VCV000482705.20), dbSNP rs55843558, ClinGen allele CA228384001.

ClinVar aggregate classification (germline): Uncertain significance. Review status: criteria provided, multiple submitters, no conflicts (2 of 4 stars). 6 submissions from 6 submitters: Uncertain significance (5). 1 of the submissions does not count toward it. Last evaluated 2025-10-26.

Conditions:
Hereditary cancer-predisposing syndrome. Also called: Hereditary neoplastic syndrome; Neoplastic Syndromes, Hereditary; Tumor predisposition; Hereditary Cancer Syndrome. Identifiers: Orphanet 140162, MedGen C0027672, MeSH D009386, MONDO:0015356.
Hereditary breast ovarian cancer syndrome. Also called: Hereditary breast and ovarian cancer syndrome (HBOC); Breast and ovarian cancer; Hereditary breast and ovarian cancer syndrome; Hereditary breast and ovarian cancer; Hereditary breast and/or ovarian cancer syndrome; BRCA1- and BRCA2-Associated Hereditary Breast and Ovarian Cancer. Identifiers: Orphanet 145, MedGen C0677776, MeSH D061325, MONDO:0003582. Disease mechanism: loss of function.
Ataxia-telangiectasia syndrome (AT). Also called: LOUIS-BAR SYNDROME; Cerebello-oculocutaneous telangiectasia; Immunodeficiency with ataxia telangiectasia; AT, COMPLEMENTATION GROUP C; Ataxia-telangiectasia, complementation group D; ATAXIA-TELANGIECTASIA, COMPLEMENTATION GROUP A. Identifiers: Orphanet 100, MedGen C0004135, MONDO:0008840, OMIM 208900.

Allele frequency attached by ClinVar (database versions not stated): gnomAD exomes 0.00001.

Submissions (6):

Labcorp Genetics (formerly Invitae), Labcorp
Classification: Uncertain significance for Ataxia-telangiectasia syndrome. Last evaluated: 2025-10-26. Review status: criteria provided, single submitter. Criteria: Invitae Variant Classification Sherloc (09022015). Collection method: clinical testing. Allele origin: germline.
Comment: This sequence change replaces methionine, which is neutral and non-polar, with threonine, which is neutral and polar, at codon 1644 of the ATM protein (p.Met1644Thr). This variant is not present in population databases (gnomAD no frequency). This missense change has been observed in individual(s) with breast cancer (PMID: 30287823). ClinVar contains an entry for this variant (Variation ID: 482705). Invitae Evidence Modeling of protein sequence and biophysical properties (such as structural, functional, and spatial information, amino acid conservation, physicochemical variation, residue mobility, and thermodynamic stability) indicates that this missense variant is not expected to disrupt ATM protein function with a negative predictive value of 95%. In summary, the available evidence is currently insufficient to determine the role of this variant in disease. Therefore, it has been classified as a Variant of Uncertain Significance.

Color Diagnostics, LLC DBA Color Health
Classification: Uncertain significance for Hereditary cancer-predisposing syndrome. Last evaluated: 2025-07-21. Review status: criteria provided, single submitter. Criteria: ACMG Guidelines, 2015. Collection method: clinical testing. Allele origin: germline.
Comment: This missense variant replaces methionine with threonine at codon 1644 of the ATM protein. Computational prediction suggests that this variant may not impact protein structure and function. To our knowledge, functional studies have not been reported for this variant. This variant has been reported in individuals affected with breast cancer (PMID: 30287823). This variant has not been identified in the general population by the Genome Aggregation Database (gnomAD). The available evidence is insufficient to determine the role of this variant in disease conclusively. Therefore, this variant is classified as a Variant of Uncertain Significance.

Ambry Genetics
Classification: Uncertain significance for Hereditary cancer-predisposing syndrome. Last evaluated: 2024-09-16. Review status: criteria provided, single submitter. Criteria: Ambry Variant Classification Scheme 2023. Collection method: clinical testing. Allele origin: germline.
Comment: The p.M1644T variant (also known as c.4931T>C), located in coding exon 32 of the ATM gene, results from a T to C substitution at nucleotide position 4931. The methionine at codon 1644 is replaced by threonine, an amino acid with similar properties. This alteration was identified in an individual diagnosed with breast cancer (Nakahara M et al. J Obstet Gynaecol Res, 2024 Jul;:). This amino acid position is not well conserved in available vertebrate species. In addition, this alteration is predicted to be tolerated by in silico analysis. Based on the available evidence, the clinical significance of this variant remains unclear.

Women's Health and Genetics/Laboratory Corporation of America, LabCorp
Classification: Uncertain significance. Last evaluated: 2020-01-27. Review status: criteria provided, single submitter. Criteria: LabCorp Variant Classification Summary - May 2015. Collection method: clinical testing. Allele origin: germline.
Comment: Variant summary: ATM c.4931T>C (p.Met1644Thr) results in a non-conservative amino acid change in the encoded protein sequence. Three of five in-silico tools predict a benign effect of the variant on protein function. The variant was absent in 251042 control chromosomes (gnomAD). However, the variant was reported in Japanese healthy controls with an allele frequency of 0.0003 (in jMorp), and 0.0008 (i.e. 2/1201 healthy Japanese individuals; in HGVD). The available data on variant occurrences in the general population are insufficient to allow any conclusion about variant significance. In a recent case-control association study involving breast cancer patients and controls of Japanese ancestry (Momozawa 2018), the variant was found in 5/7051 female breast cancer patients (while not found in 11241 healthy female controls) and was also identified in 5/12490 healthy male controls (but not found in 0/53 male cases). This report does not provide unequivocal conclusions about association of the variant with Breast Cancer. To our knowledge, no experimental evidence demonstrating an impact on protein function has been reported. Two clinical diagnostic laboratories have submitted clinical-significance assessments for this variant to ClinVar after 2014 without evidence for independent evaluation, and all of them classified the variant as uncertain significance. Based on the evidence outlined above, the variant was classified as uncertain significance.

Cancer Genomics Group, Japanese Foundation For Cancer Research
Classification: Uncertain significance for Hereditary breast and ovarian cancer syndrome. Last evaluated: 2019-05-01. Review status: criteria provided, single submitter. Criteria: ACMG Guidelines, 2015. Collection method: research. Allele origin: germline. Affected: yes.

Natera, Inc.
Classification: Uncertain significance for Ataxia-telangiectasia. Last evaluated: 2021-09-14. Review status: no assertion criteria provided. Collection method: clinical testing. Allele origin: germline. Not counted in ClinVar's aggregate classification.

Literature cited by the submitters: PubMed 30287823 (cited by 4 submitters); PubMed 39077936 (cited by Ambry Genetics).